The following is an entry in ClinVar:

ClinVar aggregate classification (germline): Uncertain significance. Review status: criteria provided, multiple submitters, no conflicts (2 of 4 stars). 4 submissions from 4 submitters: Uncertain significance (3). 1 of the submissions does not count toward it. Last evaluated 2024-03-06.

Conditions:
Medium-chain acyl-coenzyme A dehydrogenase deficiency (ACADMD). Also called: MCAD Deficiency; ACADM DEFICIENCY; MCADD; Medium chain acyl-CoA dehydrogenase deficiency; CARNITINE DEFICIENCY SECONDARY TO MEDIUM-CHAIN ACYL-CoA DEHYDROGENASE DEFICIENCY; MCADH DEFICIENCY. Identifiers: Orphanet 42, MedGen C0220710, MONDO:0008721, OMIM 201450.

Submissions (4):

Women's Health and Genetics/Laboratory Corporation of America, LabCorp
Classification: Uncertain significance. Last evaluated: 2024-03-06. Review status: criteria provided, single submitter. Criteria: LabCorp Variant Classification Summary - May 2015. Collection method: clinical testing. Allele origin: germline.

Labcorp Genetics (formerly Invitae), Labcorp
Classification: Uncertain significance for Medium-chain acyl-coenzyme A dehydrogenase deficiency. Last evaluated: 2021-11-27. Review status: criteria provided, single submitter. Criteria: Invitae Variant Classification Sherloc (09022015). Collection method: clinical testing. Allele origin: germline.
Comment: This sequence change replaces lysine, which is basic and polar, with threonine, which is neutral and polar, at codon 395 of the ACADM protein (p.Lys395Thr). This variant is not present in population databases (gnomAD no frequency). This missense change has been observed in individual(s) with MCAD deficiency (Invitae). ClinVar contains an entry for this variant (Variation ID: 226094). Advanced modeling of protein sequence and biophysical properties (such as structural, functional, and spatial information, amino acid conservation, physicochemical variation, residue mobility, and thermodynamic stability) performed at Invitae indicates that this missense variant is expected to disrupt ACADM protein function. This variant disrupts the p.Lys395 amino acid residue in ACADM. Other variant(s) that disrupt this residue have been observed in individuals with ACADM-related conditions (PMID: 22796001), which suggests that this may be a clinically significant amino acid residue. In summary, the available evidence is currently insufficient to determine the role of this variant in disease. Therefore, it has been classified as a Variant of Uncertain Significance.

ARUP Laboratories, Molecular Genetics and Genomics, ARUP Laboratories
Classification: Uncertain significance for Medium-chain acyl-coenzyme A dehydrogenase deficiency. Last evaluated: 2015-02-20. Review status: criteria provided, single submitter. Criteria: ACMG Guidelines, 2015. Collection method: clinical testing. Allele origin: germline. Inheritance: Autosomal recessive inheritance. Observed: 1 heterozygote.

Natera, Inc.
Classification: Uncertain significance for Medium-chain acyl-coenzyme a dehydrogenase deficiency. Last evaluated: 2020-09-16. Review status: no assertion criteria provided. Collection method: clinical testing. Allele origin: germline. Not counted in ClinVar's aggregate classification.

Literature cited by the submitters: PubMed 22796001 (cited by Labcorp Genetics (formerly Invitae), Labcorp).

NM_000016.6(ACADM):c.1184A>C (p.Lys395Thr)

Gene: ACADM (acyl-CoA dehydrogenase medium chain; plus strand). Cytogenetic location: 1p31.1.
Variant type: single nucleotide variant.
Coding change: c.1184A>C on transcript NM_000016.6 (MANE Select); coding-DNA position 1184, A replaced by C.
Protein change: p.Lys395Thr; replaces lysine 395 with threonine.
Molecular consequence: missense variant.
Genome position (GRCh38, 1-based): chr1:75,761,360, A>C. VCF-style: chr1-75761360-A-C. GRCh37 (hg19) VCF-style: chr1-76227045-A-C.
Other names: c.1196A>C, p.Lys399Thr (NM_001127328.3); c.1076A>C, p.Lys359Thr (NM_001286042.2); c.1283A>C, p.Lys428Thr (NM_001286043.2); c.617A>C, p.Lys206Thr (NM_001286044.2); short protein forms K395T, K399T, K206T, K359T, K428T.
Identifiers: ClinVar variation 226094 (VCV000226094.15), dbSNP rs776312173, ClinGen allele CA10576245.